The following is an entry in ClinVar:

NM_001150.3(ANPEP):c.192C>A (p.Thr64=)

Gene: ANPEP (alanyl aminopeptidase, membrane; minus strand). Cytogenetic location: 15q26.1.
Variant type: single nucleotide variant.
Coding change: c.192C>A on transcript NM_001150.3 (MANE Select); coding-DNA position 192, C replaced by A.
Protein change: p.Thr64=; no amino-acid change (threonine 64 retained).
Molecular consequence: synonymous variant.
Genome position (GRCh38, 1-based): chr15:89,806,392, G>T on the plus strand (C>A on the coding strand, the complement: ANPEP is on the minus strand). VCF-style: chr15-89806392-G-T. GRCh37 (hg19) VCF-style: chr15-90349623-G-T.
Identifiers: ClinVar variation 775361 (VCV000775361.29), dbSNP rs139763075, ClinGen allele CA7731695.

ClinVar aggregate classification (germline): Benign/Likely benign. Review status: criteria provided, multiple submitters, no conflicts (2 of 4 stars). 3 submissions from 3 submitters: Benign (2); Likely benign (1). Last evaluated 2023-01-01.

Allele frequency attached by ClinVar (database versions not stated): TOPMed 0.00220; ESP Exome Variant Server 0.00223; ExAC 0.00225; gnomAD exomes 0.00226 and 0.00257; 1000 Genomes Project 0.00080; 1000 Genomes Project 30x 0.00094; gnomAD 0.00190 and 0.00195.

Submissions (3):

CeGaT Center for Human Genetics Tuebingen
Classification: Likely benign. Last evaluated: 2023-01-01. Review status: criteria provided, single submitter. Criteria: CeGaT Center For Human Genetics Tuebingen Variant Classification Criteria Version 2. Collection method: clinical testing. Allele origin: germline. Affected: yes. Observed: 1 variant allele.
Comment: ANPEP: BP4, BP7

Labcorp Genetics (formerly Invitae), Labcorp
Classification: Benign. Last evaluated: 2019-12-31. Review status: criteria provided, single submitter. Criteria: Invitae Variant Classification Sherloc (09022015). Collection method: clinical testing. Allele origin: germline.

Breakthrough Genomics
Classification: Benign. Review status: criteria provided, single submitter. Criteria: ACMG Guidelines, 2015. Collection method: not provided. Allele origin: germline. Inheritance: Unknown mechanism. Affected: yes.